The following is an entry in ClinVar:

ClinVar aggregate classification (germline): Uncertain significance (1 of 4 stars; one submission).

Conditions:
Cystic fibrosis (CF). Also called: MUCOVISCIDOSIS. Identifiers: Orphanet 586, MedGen C0010674, MONDO:0009061, OMIM 219700. Disease mechanism: loss of function.

Allele frequency attached by ClinVar (database versions not stated): gnomAD exomes below 0.00001.
gnomAD v4.1: 1 of 1,598,004 alleles (0.000063%); highest among the groups gnomAD compares: South Asian, 0.0011%; no homozygotes.

Submission:

Ambry Genetics
Classification: Uncertain significance for Cystic fibrosis. Last evaluated: 2022-09-25. Review status: criteria provided, single submitter. Criteria: Ambry Variant Classification Scheme 2023. Collection method: clinical testing. Allele origin: germline.
Comment: The p.F1413C variant (also known as c.4238T>G), located in coding exon 26 of the CFTR gene, results from a T to G substitution at nucleotide position 4238. The phenylalanine at codon 1413 is replaced by cysteine, an amino acid with highly dissimilar properties. This amino acid position is conserved. In addition, this alteration is predicted to be deleterious by in silico analysis. Since supporting evidence is limited at this time, the clinical significance of this alteration remains unclear.

NM_000492.4(CFTR):c.4238T>G (p.Phe1413Cys)

Gene: CFTR (CF transmembrane conductance regulator; plus strand). Cytogenetic location: 7q31.2.
Variant type: single nucleotide variant.
Coding change: c.4238T>G on transcript NM_000492.4 (MANE Select); coding-DNA position 4238, T replaced by G.
Protein change: p.Phe1413Cys; replaces phenylalanine 1413 with cysteine.
Molecular consequence: missense variant.
Genome position (GRCh38, 1-based): chr7:117,665,560, T>G. VCF-style: chr7-117665560-T-G. GRCh37 (hg19) VCF-style: chr7-117305614-T-G.
Other names: short protein forms F1413C.
Identifiers: ClinVar variation 1738956 (VCV001738956.2), dbSNP rs2485183238, ClinGen allele CA368983829.